The following is an entry in ClinVar:

NM_016030.6(TRAPPC12):c.627C>T (p.Phe209=)

Gene: TRAPPC12 (trafficking protein particle complex subunit 12; plus strand). Cytogenetic location: 2p25.3.
Variant type: single nucleotide variant.
Coding change: c.627C>T on transcript NM_016030.6 (MANE Select); coding-DNA position 627, C replaced by T.
Protein change: p.Phe209=; no amino-acid change (phenylalanine 209 retained).
Molecular consequence: synonymous variant.
Genome position (GRCh38, 1-based): chr2:3,388,250, C>T. VCF-style: chr2-3388250-C-T. GRCh37 (hg19) VCF-style: chr2-3392021-C-T.
Other names: c.627C>T, p.Phe209= (NM_001321102.2).
Identifiers: ClinVar variation 1671899 (VCV001671899.40), dbSNP rs140551015, ClinGen allele CA1515119.
Genomic context (GRCh38, chr2:3,388,250, plus strand): 5'-CGAGGCCTCGGCCAGGACACCGCCCCAGGTCGTGCAGCCCAGCCCCAGCCTCAGCACGTT[C>T]TTCGGAGACACGGCCGCCAGCCACTCCTTGGCCTCGGACTTCTTCGACTCCTTTACTACC-3'
Protein context (NP_057114.5, residues 199-219): VVQPSPSLST[Phe209=]FGDTAASHSL

ClinVar aggregate classification (germline): Benign. Review status: criteria provided, multiple submitters, no conflicts (2 of 4 stars). 3 submissions from 3 submitters: Benign (3). Last evaluated 2026-08-01.

Allele frequency attached by ClinVar (database versions not stated): 1000 Genomes Project 30x 0.00234; 1000 Genomes Project 0.00240; gnomAD exomes 0.00720 and 0.01206; gnomAD 0.00758 and 0.00800; ExAC 0.00800; TOPMed 0.00815; ESP Exome Variant Server 0.01061.
gnomAD v4.1: 18,533 of 1,608,716 alleles (1.2%); highest among the groups gnomAD compares: Non-Finnish European, 1.5%; 155 homozygotes.

Submissions (3):

CeGaT Center for Human Genetics Tuebingen
Classification: Benign. Last evaluated: 2026-08-01. Review status: criteria provided, single submitter. Criteria: CeGaT Center For Human Genetics Tuebingen Variant Classification Criteria Version 2. Collection method: clinical testing. Allele origin: germline. Affected: yes. Observed: 12 variant alleles.
Comment: TRAPPC12: BP4, BP7, BS1, BS2

Labcorp Genetics (formerly Invitae), Labcorp
Classification: Benign. Last evaluated: 2026-01-14. Review status: criteria provided, single submitter. Criteria: Invitae Variant Classification Sherloc (09022015). Collection method: clinical testing. Allele origin: germline.

Breakthrough Genomics
Classification: Benign. Review status: criteria provided, single submitter. Criteria: ACMG Guidelines, 2015. Collection method: not provided. Allele origin: germline. Inheritance: Autosomal recessive inheritance. Affected: yes.